The following is an entry in ClinVar:

NM_001197104.2(KMT2A):c.139G>C (p.Gly47Arg)

Gene: KMT2A (lysine methyltransferase 2A; plus strand). Cytogenetic location: 11q23.3.
Variant type: single nucleotide variant.
Coding change: c.139G>C on transcript NM_001197104.2 (MANE Select); coding-DNA position 139, G replaced by C.
Protein change: p.Gly47Arg; replaces glycine 47 with arginine.
Molecular consequence: missense variant.
Genome position (GRCh38, 1-based): chr11:118,436,651, G>C. VCF-style: chr11-118436651-G-C. GRCh37 (hg19) VCF-style: chr11-118307366-G-C.
Other names: c.139G>C, p.Gly47Arg (NM_005933.4); short protein forms G47R.
Identifiers: ClinVar variation 429407 (VCV000429407.2), dbSNP rs1131691365, ClinGen allele CA382797336.
Genomic context (GRCh38, chr11:118,436,651, plus strand): 5'-CTAGGGGGCGCCCCGCGGCAACGCGTCCCGGCCCTGCTGCTTCCCCCCGGGCCCCCGGTC[G>C]GCGGTGGCGGCCCCGGGGCGCCCCCCTCCCCCCCGGCTGTGGCGGCCGCGGCGGCGGCGG-3'
Protein context (NP_001184033.1, residues 37-57): ALLLPPGPPV[Gly47Arg]GGGPGAPPSP

ClinVar aggregate classification (germline): Likely pathogenic (1 of 4 stars; one submission).

Submission:

GeneDx
Classification: Likely pathogenic. Last evaluated: 2017-05-08. Review status: criteria provided, single submitter. Criteria: GeneDx Variant Classification (06012015). Collection method: clinical testing. Allele origin: germline. Affected: yes.
Comment: The G47R variant in the KMT2A gene has not been reported previously as a pathogenic variant, nor as a benign variant, to our knowledge. Adequate data is not available in large population cohorts to assess the frequency of this variant in publicly available databases; however, this variant has not been detected in presumably healthy individuals tested at GeneDx. The G47R variant is a non-conservative amino acid substitution, which is likely to impact secondary protein structure as these residues differ in polarity, charge, size and/or other properties. However, this substitution occurs at a position that is not conserved, and in silico analysis is inconsistent in its predictions as to whether or not the variant is damaging to the protein structure/function. We interpret G47R as a likely pathogenic variant.